The following is an entry in ClinVar:

NM_001009944.3(PKD1):c.604G>T (p.Glu202Ter)

Gene: PKD1 (polycystin 1, transient receptor potential channel interacting; minus strand). Cytogenetic location: 16p13.3.
Variant type: single nucleotide variant.
Coding change: c.604G>T on transcript NM_001009944.3 (MANE Select); coding-DNA position 604, G replaced by T.
Protein change: p.Glu202Ter; replaces glutamic acid 202 with a stop codon.
Molecular consequence: nonsense.
Genome position (GRCh38, 1-based): chr16:2,118,388, C>A on the plus strand (G>T on the coding strand, the complement: PKD1 is on the minus strand). VCF-style: chr16-2118388-C-A. GRCh37 (hg19) VCF-style: chr16-2168389-C-A.
Other names: p.Glu202*; c.604G>T, p.Glu202Ter (NM_000296.4); short protein forms E202*.
Identifiers: ClinVar variation 2683676 (VCV002683676.2), dbSNP rs1263936807, ClinGen allele CA394394876.

ClinVar aggregate classification (germline): Pathogenic/Likely pathogenic. Review status: criteria provided, multiple submitters, no conflicts (2 of 4 stars). 2 submissions from 2 submitters: Pathogenic (1); Likely pathogenic (1). Last evaluated 2026-05-28.

Conditions:
Polycystic kidney disease, adult type (PKD1). Also called: POLYCYSTIC KIDNEY DISEASE 1 WITH OR WITHOUT POLYCYSTIC LIVER DISEASE; Polycystic Kidney Disease 1, Autosomal Dominant; Polycystic kidney disease 1; Polycystic kidney disease 1, severe; Polycystic Kidney, Autosomal Dominant; POLYCYSTIC KIDNEY DISEASE, ADULT, TYPE I. Identifiers: MedGen C3149841, MONDO:0008263, OMIM 173900.

Submissions (2):

Women's Health and Genetics/Laboratory Corporation of America, LabCorp
Classification: Pathogenic for Polycystic kidney disease, adult type. Last evaluated: 2026-05-28. Review status: criteria provided, single submitter. Criteria: LabCorp Variant Classification Summary - May 2015. Collection method: clinical testing. Allele origin: germline.
Comment: Variant summary: PKD1 c.604G>T (p.Glu202X) results in a premature termination codon, predicted to cause a truncation of the encoded protein or absence of the protein due to nonsense mediated decay, which are commonly known mechanisms for disease. The variant was absent in 133794 control chromosomes. To our knowledge, no occurrence of c.604G>T in individuals affected with PKD1-related conditions and no experimental evidence demonstrating its impact on protein function have been reported. ClinVar contains an entry for this variant (Variation ID: 2683676). Based on the evidence outlined above, the variant was classified as pathogenic.

Mayo Clinic Laboratories, Mayo Clinic
Classification: Likely pathogenic. Last evaluated: 2022-10-28. Review status: criteria provided, single submitter. Criteria: ACMG Guidelines, 2015. Collection method: clinical testing. Allele origin: germline. Observed: 2 variant alleles.
Comment: PM2_supporting, PVS1